The following is an entry in ClinVar:

NM_170707.4(LMNA):c.1525C>T (p.Pro509Ser)

Gene: LMNA (lamin A/C; plus strand). Cytogenetic location: 1q22.
Variant type: single nucleotide variant.
Coding change: c.1525C>T on transcript NM_170707.4 (MANE Select); coding-DNA position 1525, C replaced by T.
Protein change: p.Pro509Ser; replaces proline 509 with serine.
Molecular consequence: missense variant.
Genome position (GRCh38, 1-based): chr1:156,137,149, C>T. VCF-style: chr1-156137149-C-T. GRCh37 (hg19) VCF-style: chr1-156106940-C-T.
Other names: c.1189C>T, p.Pro397Ser (NM_001257374.3); c.1282C>T, p.Pro428Ser (NM_001282624.2); c.1525C>T, p.Pro509Ser (NM_001282625.2, NM_001282626.2, NM_005572.4 and 1 more transcripts); short protein forms P397S, P428S, P509S.
Identifiers: ClinVar variation 1332025 (VCV001332025.12), dbSNP rs762847359, ClinGen allele CA050569.

ClinVar aggregate classification (germline): Uncertain significance. Review status: criteria provided, multiple submitters, no conflicts (2 of 4 stars). 4 submissions from 4 submitters: Uncertain significance (4). Last evaluated 2025-06-17.

Conditions:
Primary dilated cardiomyopathy (DCM). Also called: Dilated Cardiomyopathy. Identifiers: Orphanet 217604, MedGen C0007193, MeSH D002311, MONDO:0005021, HP:0001644. Inheritance: Various modes of inheritance.
Charcot-Marie-Tooth disease type 2. Also called: Charcot-Marie-Tooth type 2. Identifiers: Orphanet 64746, MedGen C0270914, MONDO:0018993.
Cardiomyopathy (CMYO). Also called: Cardiomyopathies. Identifiers: Orphanet 167848, MedGen C0878544, MONDO:0004994, HP:0001638. Inheritance: Various modes of inheritance.

Allele frequency attached by ClinVar (database versions not stated): gnomAD 0.00001; gnomAD exomes below 0.00001; ExAC 0.00001.
gnomAD v4.1: 10 of 1,613,134 alleles (0.00062%); highest among the groups gnomAD compares: South Asian, 0.0088%; no homozygotes.

Submissions (4):

GeneDx
Classification: Uncertain significance. Last evaluated: 2025-06-17. Review status: criteria provided, single submitter. Criteria: GeneDx Variant Classification Process June 2021. Collection method: clinical testing. Allele origin: germline. Affected: yes.
Comment: Not observed at significant frequency in large population cohorts (gnomAD); In silico analysis supports that this missense variant has a deleterious effect on protein structure/function; Has not been previously published as pathogenic or benign to our knowledge; This variant is associated with the following publications: (PMID: 10939567)

Labcorp Genetics (formerly Invitae), Labcorp
Classification: Uncertain significance for Charcot-Marie-Tooth disease type 2. Last evaluated: 2025-02-02. Review status: criteria provided, single submitter. Criteria: Invitae Variant Classification Sherloc (09022015). Collection method: clinical testing. Allele origin: germline.
Comment: This sequence change replaces proline, which is neutral and non-polar, with serine, which is neutral and polar, at codon 509 of the LMNA protein (p.Pro509Ser). This variant is present in population databases (rs762847359, gnomAD 0.003%). This variant has not been reported in the literature in individuals affected with LMNA-related conditions. ClinVar contains an entry for this variant (Variation ID: 1332025). Invitae Evidence Modeling of protein sequence and biophysical properties (such as structural, functional, and spatial information, amino acid conservation, physicochemical variation, residue mobility, and thermodynamic stability) indicates that this missense variant is expected to disrupt LMNA protein function with a positive predictive value of 95%. In summary, the available evidence is currently insufficient to determine the role of this variant in disease. Therefore, it has been classified as a Variant of Uncertain Significance.

All of Us Research Program, National Institutes of Health
Classification: Uncertain significance for Primary dilated cardiomyopathy. Last evaluated: 2023-12-18. Review status: criteria provided, single submitter. Criteria: ACMG Guidelines, 2015. Collection method: clinical testing. Allele origin: germline. Inheritance: Autosomal dominant inheritance. Observed: 1 variant allele, 1 heterozygote.
Comment: This missense variant replaces proline with serine at codon 509 of the lamin A/C proteins. Computational prediction suggests that this variant may have deleterious impact on protein structure and function (internally defined REVEL score threshold >= 0.7, PMID: 27666373). To our knowledge, functional studies have not been reported for this variant. This variant has not been reported in individuals affected with cardiovascular disorders in the literature. This variant has been identified in 1/247548 chromosomes in the general population by the Genome Aggregation Database (gnomAD). The available evidence is insufficient to determine the role of this variant in disease conclusively. Therefore, this variant is classified as a Variant of Uncertain Significance.

This study involves interpretation of variants in research participants for the purpose of population health screening. Participant phenotype was not available at the time of variant classification. Additional details can be found in publication PMID: 35346344, PMCID: PMC8962531

Color Diagnostics, LLC DBA Color Health
Classification: Uncertain significance for Cardiomyopathy. Last evaluated: 2023-11-28. Review status: criteria provided, single submitter. Criteria: ACMG Guidelines, 2015. Collection method: clinical testing. Allele origin: germline.
Comment: This missense variant replaces proline with serine at codon 509 of the LMNA protein. Computational prediction tools indicate that this variant has a deleterious impact on protein structure and function. To our knowledge, functional studies have not been reported for this variant. This variant has not been reported in individuals affected with LMNA-related disorders in the literature. This variant has been identified in 1/247548 chromosomes in the general population by the Genome Aggregation Database (gnomAD). The available evidence is insufficient to determine the role of this variant in disease conclusively. Therefore, this variant is classified as a Variant of Uncertain Significance.